The following is an entry in ClinVar:

NM_001040108.2(MLH3):c.1256A>C (p.Asn419Thr)

Gene: MLH3 (mutL homolog 3; minus strand). Cytogenetic location: 14q24.3.
Variant type: single nucleotide variant.
Coding change: c.1256A>C on transcript NM_001040108.2 (MANE Select); coding-DNA position 1256, A replaced by C.
Protein change: p.Asn419Thr; replaces asparagine 419 with threonine.
Molecular consequence: missense variant.
Genome position (GRCh38, 1-based): chr14:75,048,400, T>G on the plus strand (A>C on the coding strand, the complement: MLH3 is on the minus strand). VCF-style: chr14-75048400-T-G. GRCh37 (hg19) VCF-style: chr14-75515103-T-G.
Other names: c.1256A>C, p.Asn419Thr (NM_014381.3); short protein forms N419T.
Identifiers: ClinVar variation 1006316 (VCV001006316.9), dbSNP rs1892418940, ClinGen allele CA390446793.

ClinVar aggregate classification (germline): Uncertain significance (1 of 4 stars; one submission).

Conditions:
Colorectal cancer, hereditary nonpolyposis, type 7. Identifiers: Orphanet 144, MedGen C1858380, MONDO:0013725, OMIM 614385.

Allele frequency attached by ClinVar (database versions not stated): gnomAD exomes below 0.00001.
gnomAD v4.1: 1 of 1,608,700 alleles (0.000062%); highest among the groups gnomAD compares: Non-Finnish European, 0.000085%; no homozygotes.

Submission:

Labcorp Genetics (formerly Invitae), Labcorp
Classification: Uncertain significance for Colorectal cancer, hereditary nonpolyposis, type 7. Last evaluated: 2024-10-24. Review status: criteria provided, single submitter. Criteria: Invitae Variant Classification Sherloc (09022015). Collection method: clinical testing. Allele origin: germline.
Comment: This sequence change replaces asparagine, which is neutral and polar, with threonine, which is neutral and polar, at codon 419 of the MLH3 protein (p.Asn419Thr). This variant is not present in population databases (gnomAD no frequency). This variant has not been reported in the literature in individuals affected with MLH3-related conditions. ClinVar contains an entry for this variant (Variation ID: 1006316). An algorithm developed to predict the effect of missense changes on protein structure and function (PolyPhen-2) suggests that this variant is likely to be tolerated. In summary, the available evidence is currently insufficient to determine the role of this variant in disease. Therefore, it has been classified as a Variant of Uncertain Significance.